The following is an entry in ClinVar:

NM_001159699.2(FHL1):c.225C>A (p.Arg75=)

Gene: FHL1 (four and a half LIM domains 1; plus strand). Cytogenetic location: Xq26.3.
Variant type: single nucleotide variant.
Coding change: c.225C>A on transcript NM_001159699.2 (MANE Select); coding-DNA position 225, C replaced by A.
Protein change: p.Arg75=; no amino-acid change (arginine 75 retained).
Molecular consequence: synonymous variant. On other transcripts: non-coding transcript variant (1).
Genome position (GRCh38, 1-based): chrX:136,207,036, C>A. VCF-style: chrX-136207036-C-A. GRCh37 (hg19) VCF-style: chrX-135289195-C-A.
Other names: c.177C>A, p.Arg59= (NM_001159700.2, NM_001159702.3, NM_001159703.2 and 9 more transcripts); c.264C>A, p.Arg88= (NM_001159701.2); c.225C>A, p.Arg75= (NM_001330659.2); c.177C>A (NM_001159702.2).
Identifiers: ClinVar variation 500095 (VCV000500095.28), dbSNP rs143791173, ClinGen allele CA10524968.

ClinVar aggregate classification (germline): Likely benign. Review status: criteria provided, multiple submitters, no conflicts (2 of 4 stars). 7 submissions from 7 submitters: Likely benign (7). Last evaluated 2025-12-21.

Conditions:
FHL1-related disorder. Also called: FHL1-related disorders; FHL1-related condition.
Cardiovascular phenotype. Identifiers: MedGen CN230736.
X-linked myopathy with postural muscle atrophy. Also called: FHL1-Related Emery-Dreifuss Muscular Dystrophy, X-Linked. Identifiers: Orphanet 178461, MedGen C2678055, MONDO:0010401, OMIM 300696.

Allele frequency attached by ClinVar (database versions not stated): gnomAD exomes 0.00003 and 0.00007; ExAC 0.00013; ESP Exome Variant Server 0.00028; TOPMed 0.00031; gnomAD 0.00037 and 0.00039; 1000 Genomes Project 0.00106; 1000 Genomes Project 30x 0.00125.
gnomAD v4.1: 76 of 1,209,855 alleles (0.0063%); highest among the groups gnomAD compares: African/African-American, 0.13%; no homozygotes.

Submissions (7):

Labcorp Genetics (formerly Invitae), Labcorp
Classification: Likely benign for X-linked myopathy with postural muscle atrophy. Last evaluated: 2025-12-21. Review status: criteria provided, single submitter. Criteria: Invitae Variant Classification Sherloc (09022015). Collection method: clinical testing. Allele origin: germline.

PreventionGenetics, part of Exact Sciences
Classification: Likely benign for FHL1-related condition. Last evaluated: 2025-10-06. Review status: criteria provided, single submitter. Criteria: ACMG Guidelines, 2015. Collection method: clinical testing. Allele origin: germline.
Comment: This variant is classified as likely benign based on ACMG/AMP sequence variant interpretation guidelines (Richards et al. 2015 PMID: 25741868, with internal and published modifications).

Blueprint Genetics
Classification: Likely benign. Last evaluated: 2022-10-19. Review status: criteria provided, single submitter. Criteria: ACMG Guidelines, 2015. Collection method: clinical testing. Allele origin: germline.

ARUP Laboratories, Molecular Genetics and Genomics, ARUP Laboratories
Classification: Likely benign. Last evaluated: 2019-12-09. Review status: criteria provided, single submitter. Criteria: ARUP Molecular Germline Variant Investigation Process. Collection method: clinical testing. Allele origin: germline.

Ambry Genetics
Classification: Likely benign for Cardiovascular phenotype. Last evaluated: 2019-09-08. Review status: criteria provided, single submitter. Criteria: Ambry Variant Classification Scheme 2023. Collection method: clinical testing. Allele origin: germline.

GeneDx
Classification: Likely benign. Last evaluated: 2018-05-09. Review status: criteria provided, single submitter. Criteria: GeneDx Variant Classification Process June 2021. Collection method: clinical testing. Allele origin: germline. Affected: yes.

Eurofins Ntd Llc (ga)
Classification: Likely benign. Last evaluated: 2017-01-26. Review status: criteria provided, single submitter. Criteria: EGL Classification Definitions 2015. Collection method: clinical testing. Allele origin: germline. Observed: 1 variant allele, 1 heterozygote.